The following is an entry in ClinVar:

ClinVar aggregate classification (germline): Uncertain significance (1 of 4 stars; one submission).

Conditions:
Neuronal ceroid lipofuscinosis. Also called: Neuronal Ceroid Lipofuscinoses. Identifiers: Orphanet 216, Orphanet 79263, MedGen C0027877, MONDO:0016295. Disease mechanism: loss of function.

Allele frequency attached by ClinVar (database versions not stated): gnomAD exomes below 0.00001; TOPMed below 0.00001; gnomAD 0.00001.
gnomAD v4.1: 2 of 1,612,692 alleles (0.00012%); highest among the groups gnomAD compares: African/African-American, 0.0013%; no homozygotes.

Submission:

Labcorp Genetics (formerly Invitae), Labcorp
Classification: Uncertain significance for Neuronal ceroid lipofuscinosis. Last evaluated: 2025-12-01. Review status: criteria provided, single submitter. Criteria: Invitae Variant Classification Sherloc (09022015). Collection method: clinical testing. Allele origin: germline.
Comment: This sequence change replaces asparagine, which is neutral and polar, with serine, which is neutral and polar, at codon 49 of the CLN3 protein (p.Asn49Ser). This variant is present in population databases (no rsID available, gnomAD 0.0009%). This variant has not been reported in the literature in individuals affected with CLN3-related conditions. ClinVar contains an entry for this variant (Variation ID: 1425596). Invitae Evidence Modeling of protein sequence and biophysical properties (such as structural, functional, and spatial information, amino acid conservation, physicochemical variation, residue mobility, and thermodynamic stability) indicates that this missense variant is expected to disrupt CLN3 protein function with a positive predictive value of 95%. In summary, the available evidence is currently insufficient to determine the role of this variant in disease. Therefore, it has been classified as a Variant of Uncertain Significance.

NM_001042432.2(CLN3):c.146A>G (p.Asn49Ser)

Gene: CLN3 (CLN3 lysosomal/endosomal transmembrane protein, battenin; minus strand). Cytogenetic location: 16p12.1.
Variant type: single nucleotide variant.
Coding change: c.146A>G on transcript NM_001042432.2 (MANE Select); coding-DNA position 146, A replaced by G.
Protein change: p.Asn49Ser; replaces asparagine 49 with serine.
Molecular consequence: missense variant. On other transcripts: 5 prime UTR variant (3).
Genome position (GRCh38, 1-based): chr16:28,489,366, T>C on the plus strand (A>G on the coding strand, the complement: CLN3 is on the minus strand). VCF-style: chr16-28489366-T-C. GRCh37 (hg19) VCF-style: chr16-28500687-T-C.
Other names: c.146A>G, p.Asn49Ser (NM_000086.2, NM_001286104.2); c.-75A>G (NM_001286105.2); c.-17A>G (NM_001286109.2, NM_001286110.2); short protein forms N49S.
Identifiers: ClinVar variation 1425596 (VCV001425596.9), dbSNP rs1474384057, ClinGen allele CA395346540.